The following is an entry in ClinVar:

NM_003859.3(DPM1):c.22C>A (p.Arg8Ser)

Genes: DPM1 (dolichyl-phosphate mannosyltransferase subunit 1, catalytic; minus strand), LOC130066166 (ATAC-STARR-seq lymphoblastoid active region 18108; plus strand). Cytogenetic location: 20q13.13.
Variant type: single nucleotide variant.
Coding change: c.22C>A on transcript NM_003859.3 (MANE Select); coding-DNA position 22, C replaced by A.
Protein change: p.Arg8Ser; replaces arginine 8 with serine.
Molecular consequence: missense variant. On other transcripts: non-coding transcript variant (1).
Genome position (GRCh38, 1-based): chr20:50,958,502, G>T on the plus strand (C>A on the coding strand, the complement: DPM1 is on the minus strand). VCF-style: chr20-50958502-G-T. GRCh37 (hg19) VCF-style: chr20-49575039-G-T.
Other names: c.22C>A, p.Arg8Ser (NM_001317034.1, NM_001317035.1, NM_001317036.1); short protein forms R8S.
Identifiers: ClinVar variation 2149835 (VCV002149835.3), dbSNP rs201392536, ClinGen allele CA9909272.

ClinVar aggregate classification (germline): Uncertain significance (1 of 4 stars; one submission).

Conditions:
Congenital disorder of glycosylation type 1E (CDG1E). Also called: CONGENITAL DISORDER OF GLYCOSYLATION, TYPE Ie; CDG Ie. Identifiers: Orphanet 79322, MedGen C1837396, MONDO:0012123, OMIM 608799.

gnomAD v4.1: 21 of 1,613,768 alleles (0.0013%); highest among the groups gnomAD compares: East Asian, 0.0022%; no homozygotes.

Submission:

Labcorp Genetics (formerly Invitae), Labcorp
Classification: Uncertain significance for Congenital disorder of glycosylation type 1E. Last evaluated: 2022-09-24. Review status: criteria provided, single submitter. Criteria: Invitae Variant Classification Sherloc (09022015). Collection method: clinical testing. Allele origin: germline.
Comment: This sequence change replaces arginine, which is basic and polar, with serine, which is neutral and polar, at codon 8 of the DPM1 protein (p.Arg8Ser). This variant is present in population databases (rs201392536, gnomAD 0.006%). This variant has not been reported in the literature in individuals affected with DPM1-related conditions. Algorithms developed to predict the effect of missense changes on protein structure and function are either unavailable or do not agree on the potential impact of this missense change (SIFT: "Tolerated"; PolyPhen-2: "Not Available"; Align-GVGD: "Class C0"). In summary, the available evidence is currently insufficient to determine the role of this variant in disease. Therefore, it has been classified as a Variant of Uncertain Significance.